The following is an entry in ClinVar:

ClinVar aggregate classification (germline): Conflicting classifications of pathogenicity. Review status: criteria provided, conflicting classifications (1 of 4 stars). 4 submissions from 4 submitters: Uncertain significance (3); Likely benign (1). Last evaluated 2025-11-12.

Conditions:
Intellectual developmental disorder, autosomal recessive 37. Also called: Intellectual disability-hypotonia-spasticity-sleep disorder syndrome. Identifiers: Orphanet 356996, MedGen C3809672, MONDO:0014210, OMIM 615493.
Inborn genetic diseases. Identifiers: MedGen C0950123, MeSH D030342.

Allele frequency attached by ClinVar (database versions not stated): gnomAD 0.00009 and 0.00008; ExAC 0.00012; gnomAD exomes 0.00007 and 0.00016; 1000 Genomes Project 30x 0.00016; TOPMed 0.00019; 1000 Genomes Project 0.00020.
gnomAD v4.1: 60 of 1,613,796 alleles (0.0037%); highest among the groups gnomAD compares: Admixed American, 0.092%; 1 homozygote.

Submissions (4):

Greenwood Genetic Center Diagnostic Laboratories, Greenwood Genetic Center
Classification: Uncertain significance. Last evaluated: 2025-11-12. Review status: criteria provided, single submitter. Criteria: ACMG Guidelines, 2015. Collection method: clinical testing. Allele origin: germline. Affected: yes.
Comment: PM2, BP4, PP2

Labcorp Genetics (formerly Invitae), Labcorp
Classification: Uncertain significance. Last evaluated: 2024-10-15. Review status: criteria provided, single submitter. Criteria: Invitae Variant Classification Sherloc (09022015). Collection method: clinical testing. Allele origin: germline.
Comment: This sequence change replaces methionine, which is neutral and non-polar, with valine, which is neutral and non-polar, at codon 823 of the ANK3 protein (p.Met823Val). This variant is present in population databases (rs180821737, gnomAD 0.1%). This variant has not been reported in the literature in individuals affected with ANK3-related conditions. ClinVar contains an entry for this variant (Variation ID: 1030746). Invitae Evidence Modeling of protein sequence and biophysical properties (such as structural, functional, and spatial information, amino acid conservation, physicochemical variation, residue mobility, and thermodynamic stability) indicates that this missense variant is not expected to disrupt ANK3 protein function with a negative predictive value of 80%. In summary, the available evidence is currently insufficient to determine the role of this variant in disease. Therefore, it has been classified as a Variant of Uncertain Significance.

Ambry Genetics
Classification: Likely benign for Inborn genetic diseases. Last evaluated: 2023-11-21. Review status: criteria provided, single submitter. Criteria: Ambry Variant Classification Scheme 2023. Collection method: clinical testing. Allele origin: germline.

Baylor Genetics
Classification: Uncertain significance for Intellectual developmental disorder, autosomal recessive 37. Last evaluated: 2019-07-26. Review status: criteria provided, single submitter. Criteria: ACMG Guidelines, 2015. Collection method: clinical testing. Allele origin: unknown. Affected: yes.
Comment: This variant was determined to be of uncertain significance according to ACMG Guidelines, 2015 [PMID:25741868].

NM_020987.5(ANK3):c.2467A>G (p.Met823Val)

Gene: ANK3 (ankyrin 3; minus strand). Cytogenetic location: 10q21.2.
Variant type: single nucleotide variant.
Coding change: c.2467A>G on transcript NM_020987.5 (MANE Select); coding-DNA position 2467, A replaced by G.
Protein change: p.Met823Val; replaces methionine 823 with valine.
Molecular consequence: missense variant.
Genome position (GRCh38, 1-based): chr10:60,172,319, T>C on the plus strand (A>G on the coding strand, the complement: ANK3 is on the minus strand). VCF-style: chr10-60172319-T-C. GRCh37 (hg19) VCF-style: chr10-61932077-T-C.
Other names: c.2449A>G, p.Met817Val (NM_001204403.2); c.2416A>G, p.Met806Val (NM_001204404.2); c.2467A>G, p.Met823Val (NM_001320874.2); short protein forms M806V, M817V, M823V.
Identifiers: ClinVar variation 1030746 (VCV001030746.10), dbSNP rs180821737, ClinGen allele CA5512812.